The following is an entry in ClinVar:

NM_199420.4(POLQ):c.3343C>T (p.Pro1115Ser)

Gene: POLQ (DNA polymerase theta; minus strand). Cytogenetic location: 3q13.33.
Variant type: single nucleotide variant.
Coding change: c.3343C>T on transcript NM_199420.4 (MANE Select); coding-DNA position 3343, C replaced by T.
Protein change: p.Pro1115Ser; replaces proline 1115 with serine.
Molecular consequence: missense variant.
Genome position (GRCh38, 1-based): chr3:121,489,588, G>A on the plus strand (C>T on the coding strand, the complement: POLQ is on the minus strand). VCF-style: chr3-121489588-G-A. GRCh37 (hg19) VCF-style: chr3-121208435-G-A.
Other names: short protein forms P1115S.
Identifiers: ClinVar variation 2448977 (VCV002448977.2), dbSNP rs774854331, ClinGen allele CA354100552.
Genomic context (GRCh38, chr3:121,489,588, plus strand): 5'-CCACAAAATTATCATTAGTTAGTGTTATGTTCCATGAACAATTTTGCTTTATTTGTAATG[G>A]GAATGATGTTTTATTATCTTTTTCCTTACCACTCAAAGATACATTTTTAGCAAATGGCCC-3'
Protein context (NP_955452.3, residues 1105-1125): GKEKDNKTSF[Pro1115Ser]LQIKQNCSWN

ClinVar aggregate classification (germline): Uncertain significance (1 of 4 stars; one submission).

Allele frequency attached by ClinVar (database versions not stated): gnomAD exomes below 0.00001.
gnomAD v4.1: 1 of 1,612,976 alleles (0.000062%); highest among the groups gnomAD compares: Admixed American, 0.0017%; no homozygotes.

Submission:

Ambry Genetics
Classification: Uncertain significance. Last evaluated: 2023-01-12. Review status: criteria provided, single submitter. Criteria: Ambry Variant Classification Scheme 2023. Collection method: clinical testing. Allele origin: germline.
Comment: The p.P1115S variant (also known as c.3343C>T), located in coding exon 16 of the POLQ gene, results from a C to T substitution at nucleotide position 3343. The proline at codon 1115 is replaced by serine, an amino acid with similar properties. This amino acid position is conserved. In addition, this alteration is predicted to be tolerated by in silico analysis. Since supporting evidence is limited at this time, the clinical significance of this alteration remains unclear.